The following is an entry in ClinVar:

NM_005359.6(SMAD4):c.554C>A (p.Pro185Gln)

Gene: SMAD4 (SMAD family member 4; plus strand). Cytogenetic location: 18q21.2.
Variant type: single nucleotide variant.
Coding change: c.554C>A on transcript NM_005359.6 (MANE Select); coding-DNA position 554, C replaced by A.
Protein change: p.Pro185Gln; replaces proline 185 with glutamine.
Molecular consequence: missense variant.
Genome position (GRCh38, 1-based): chr18:51,054,880, C>A. VCF-style: chr18-51054880-C-A. GRCh37 (hg19) VCF-style: chr18-48581250-C-A.
Other names: short protein forms P185Q.
Identifiers: ClinVar variation 405504 (VCV000405504.29), dbSNP rs770798845, ClinGen allele CA16616073.

ClinVar aggregate classification (germline): Conflicting classifications of pathogenicity. Review status: criteria provided, conflicting classifications (1 of 4 stars). 7 submissions from 7 submitters: Uncertain significance (5); Benign (1); Likely benign (1). Last evaluated 2025-11-20.

Conditions:
Hereditary cancer-predisposing syndrome. Also called: Neoplastic Syndromes, Hereditary; Hereditary Cancer Syndrome; Hereditary neoplastic syndrome; Tumor predisposition. Identifiers: Orphanet 140162, MedGen C0027672, MeSH D009386, MONDO:0015356.
Familial thoracic aortic aneurysm and aortic dissection (TAAD). Also called: Thoracic aortic aneurysms and dissections. Identifiers: Orphanet 91387, MedGen C4707243, MONDO:0019625.
Juvenile polyposis syndrome (JPS). Identifiers: Orphanet 2929, MedGen C0345893, MONDO:0017380, OMIM 174900.
Juvenile polyposis/hereditary hemorrhagic telangiectasia syndrome (JPHT). Also called: POLYPOSIS, GENERALIZED JUVENILE, WITH PULMONARY ARTERIOVENOUS MALFORMATION; TELANGIECTASIA, HEREDITARY HEMORRHAGIC, WITH JUVENILE POLYPOSIS COLI; Juvenile Polyposis Syndrome / Hereditary Hemorrhagic Telangiectasia (JPS/HHT); JP/HHT SYNDROME; JUVENILE POLYPOSIS WITH HEREDITARY HEMORRHAGIC TELANGIECTASIA. Identifiers: Orphanet 2929, MedGen C1832942, MONDO:0008278, OMIM 175050.

Allele frequency attached by ClinVar (database versions not stated): TOPMed 0.00001.
gnomAD v4.1: 1 of 1,614,022 alleles (0.000062%); highest among the groups gnomAD compares: Non-Finnish European, 0.000085%; no homozygotes.

Submissions (7):

Labcorp Genetics (formerly Invitae), Labcorp
Classification: Benign for Juvenile polyposis syndrome. Last evaluated: 2025-11-20. Review status: criteria provided, single submitter. Criteria: Invitae Variant Classification Sherloc (09022015). Collection method: clinical testing. Allele origin: germline.

Color Diagnostics, LLC DBA Color Health
Classification: Uncertain significance for Hereditary cancer-predisposing syndrome. Last evaluated: 2025-07-03. Review status: criteria provided, single submitter. Criteria: ACMG Guidelines, 2015. Collection method: clinical testing. Allele origin: germline.
Comment: This missense variant replaces proline with glutamine at codon 185 of the SMAD4 protein. Computational prediction is inconclusive regarding the impact of this variant on protein structure and function. Splice site prediction tools suggest that this variant may not impact RNA splicing. To our knowledge, functional studies have not been reported for this variant. This variant has not been reported in individuals affected with Juvenile Polyposis Syndrome in the literature. This variant has not been identified in the general population by the Genome Aggregation Database (gnomAD). The available evidence is insufficient to determine the role of this variant in disease conclusively. Therefore, this variant is classified as a Variant of Uncertain Significance.

All of Us Research Program, National Institutes of Health
Classification: Uncertain significance for Juvenile polyposis/hereditary hemorrhagic telangiectasia syndrome. Last evaluated: 2024-09-23. Review status: criteria provided, single submitter. Criteria: ACMG Guidelines, 2015. Collection method: clinical testing. Allele origin: germline. Inheritance: Autosomal dominant inheritance. Observed: 2 variant alleles, 2 heterozygotes.
Comment: This missense variant replaces proline with glutamine at codon 185 of the SMAD4 protein. Computational prediction is inconclusive regarding the impact of this variant on protein structure and function (internally defined REVEL score threshold 0.5 < inconclusive < 0.7, PMID: 27666373). Splice site prediction tools suggest that this variant may not impact RNA splicing. To our knowledge, functional studies have not been reported for this variant. This variant has not been reported in individuals affected with Juvenile Polyposis Syndrome in the literature. This variant has not been identified in the general population by the Genome Aggregation Database (gnomAD). The available evidence is insufficient to determine the role of this variant in disease conclusively. Therefore, this variant is classified as a Variant of Uncertain Significance.

This study involves interpretation of variants in research participants for the purpose of population health screening. Participant phenotype was not available at the time of variant classification. Additional details can be found in publication PMID: 35346344, PMCID: PMC8962531

Johns Hopkins Genomics, Johns Hopkins University
Classification: Uncertain significance for Juvenile polyposis/hereditary hemorrhagic telangiectasia syndrome. Last evaluated: 2024-03-16. Review status: criteria provided, single submitter. Criteria: ACMG Guidelines, 2015. Collection method: clinical testing. Allele origin: germline.
Comment: This SMAD4 missense variant (rs770798845) is rare (<0.1%) in a large population dataset (gnomAD v4.0.0: 1/1461706 total alleles; 0.00007%; no homozygotes). It has been reported in ClinVar (Variation ID 405504), but has not been reported in the literature in individuals with Juvenile polyposis/hereditary hemorrhagic telangiectasia syndrome, to our knowledge. Two bioinformatic tools queried predict that this substitution would be tolerated, and the proline residue at this position is evolutionarily conserved across all except one of the species assessed. We consider the clinical significance of c.554C>A in SMAD4 to be uncertain at this time.

Ambry Genetics
Classification: Likely benign for Hereditary cancer-predisposing syndrome; Familial thoracic aortic aneurysm and aortic dissection. Last evaluated: 2024-01-31. Review status: criteria provided, single submitter. Criteria: Ambry Variant Classification Scheme 2023. Collection method: clinical testing. Allele origin: germline.

GeneDx
Classification: Uncertain significance. Last evaluated: 2021-09-21. Review status: criteria provided, single submitter. Criteria: GeneDx Variant Classification Process June 2021. Collection method: clinical testing. Allele origin: germline. Affected: yes.
Comment: Has not been previously published as pathogenic or benign to our knowledge; Not observed in large population cohorts (Lek et al., 2016); Reported in ClinVar as a variant of uncertain significance (ClinVar Variant ID# 405504; Landrum et al., 2016); In silico analysis supports that this missense variant does not alter protein structure/function

Quest Diagnostics Nichols Institute San Juan Capistrano
Classification: Uncertain significance. Last evaluated: 2021-04-04. Review status: criteria provided, single submitter. Criteria: Quest Diagnostics criteria. Collection method: clinical testing. Allele origin: unknown.

Literature cited by the submitters: PubMed 25980754 (cited by Johns Hopkins Genomics, Johns Hopkins University and Quest Diagnostics Nichols Institute San Juan Capistrano); PubMed 27978560 (cited by Johns Hopkins Genomics, Johns Hopkins University and Quest Diagnostics Nichols Institute San Juan Capistrano).